The following is an entry in ClinVar:

NM_207421.4(PADI6):c.1182+9C>T

Genes: PADI6 (peptidyl arginine deiminase 6; plus strand), LOC126805635 (BRD4-independent group 4 enhancer GRCh37_chr1:17720217-17721416; plus strand). Cytogenetic location: 1p36.13.
Variant type: single nucleotide variant.
Coding change: c.1182+9C>T on transcript NM_207421.4 (MANE Select); 9 bases into the intron after coding-DNA position 1182, C replaced by T.
Molecular consequence: intron variant.
Genome position (GRCh38, 1-based): chr1:17,394,091, C>T. VCF-style: chr1-17394091-C-T. GRCh37 (hg19) VCF-style: chr1-17720587-C-T.
Identifiers: ClinVar variation 3045571 (VCV003045571.3), dbSNP rs145873927, ClinGen allele CA641660.

ClinVar aggregate classification (germline): Likely benign. Review status: criteria provided, single submitter (1 of 4 stars). 2 submissions from 2 submitters: Likely benign (1). 1 of the submissions does not count toward it. Last evaluated 2024-11-26.

Conditions:
PADI6-related disorder. Also called: PADI6-related condition.

Allele frequency attached by ClinVar (database versions not stated): ExAC 0.00075; gnomAD 0.00231; TOPMed 0.00254; ESP Exome Variant Server 0.00270; 1000 Genomes Project 0.00339; 1000 Genomes Project 30x 0.00359.

Submissions (2):

Blueprint Genetics
Classification: Likely benign. Last evaluated: 2024-11-26. Review status: criteria provided, single submitter. Criteria: ACMG Guidelines, 2015. Collection method: clinical testing. Allele origin: germline.

PreventionGenetics, part of Exact Sciences
Classification: Likely benign for PADI6-related condition. Last evaluated: 2019-07-12. Review status: no assertion criteria provided. Collection method: clinical testing. Allele origin: germline. Not counted in ClinVar's aggregate classification.
Comment: This variant is classified as likely benign based on ACMG/AMP sequence variant interpretation guidelines (Richards et al. 2015 PMID: 25741868, with internal and published modifications).